The following is an entry in ClinVar:

ClinVar aggregate classification (germline): Benign/Likely benign. Review status: criteria provided, multiple submitters, no conflicts (2 of 4 stars). 5 submissions from 5 submitters: Benign (1); Likely benign (3). 1 of the submissions does not count toward it. Last evaluated 2025-11-09.

Conditions:
RPS24-related disorder. Also called: RPS24-related condition.
Diamond-Blackfan anemia. Also called: Aase syndrome; Blackfan Diamond syndrome; Aregenerative anemia chronic congenital; Red cell aplasia, pure hereditary; Congenital hypoplastic anemia. Identifiers: Orphanet 124, MedGen C1260899, MeSH D029503, MONDO:0015253, HP:0004810.
Diamond-Blackfan anemia 3 (DBA3). Also called: RPS24-Related Diamond-Blackfan Anemia. Identifiers: Orphanet 124, MedGen C1857719, MONDO:0012529, OMIM 610629.

Allele frequency attached by ClinVar (database versions not stated): 1000 Genomes Project 30x 0.00016; 1000 Genomes Project 0.00020; gnomAD exomes 0.00034; ESP Exome Variant Server 0.00038; ExAC 0.00053; gnomAD 0.00072 and 0.00081; TOPMed 0.00079.
gnomAD v4.1: 528 of 1,604,410 alleles (0.033%); highest among the groups gnomAD compares: African/African-American, 0.22%; 1 homozygote.

Submissions (5):

Labcorp Genetics (formerly Invitae), Labcorp
Classification: Likely benign for Diamond-Blackfan anemia. Last evaluated: 2025-11-09. Review status: criteria provided, single submitter. Criteria: Invitae Variant Classification Sherloc (09022015). Collection method: clinical testing. Allele origin: germline.

Blueprint Genetics
Classification: Likely benign. Last evaluated: 2024-11-19. Review status: criteria provided, single submitter. Criteria: ACMG Guidelines, 2015. Collection method: clinical testing. Allele origin: germline.

Genetic Services Laboratory, University of Chicago
Classification: Likely benign. Last evaluated: 2019-06-13. Review status: criteria provided, single submitter. Criteria: ACMG Guidelines, 2015. Collection method: clinical testing. Allele origin: germline. Affected: no.

Illumina Laboratory Services, Illumina
Classification: Benign for Diamond-Blackfan anemia 3. Last evaluated: 2018-01-13. Review status: criteria provided, single submitter. Criteria: ICSL Variant Classification Criteria 13 December 2019. Collection method: clinical testing. Allele origin: germline.
Comment: This variant was observed in the ICSL laboratory as part of a predisposition screen in an ostensibly healthy population. It had not been previously curated by ICSL or reported in the Human Gene Mutation Database (HGMD: prior to June 1st, 2018), and was therefore a candidate for classification through an automated scoring system. Utilizing variant allele frequency, disease prevalence and penetrance estimates, and inheritance mode, an automated score was calculated to assess if this variant is too frequent to cause the disease. Based on the score and internal cut-off values, a variant classified as benign is not then subjected to further curation. The score for this variant resulted in a classification of benign for this disease.

PreventionGenetics, part of Exact Sciences
Classification: Likely benign for RPS24-related condition. Last evaluated: 2023-07-25. Review status: no assertion criteria provided. Collection method: clinical testing. Allele origin: germline. Not counted in ClinVar's aggregate classification.
Comment: This variant is classified as likely benign based on ACMG/AMP sequence variant interpretation guidelines (Richards et al. 2015 PMID: 25741868, with internal and published modifications).

NM_033022.4(RPS24):c.371A>G (p.Asn124Ser)

Gene: RPS24 (ribosomal protein S24; plus strand). Cytogenetic location: 10q22.3.
Variant type: single nucleotide variant.
Coding change: c.371A>G on transcript NM_033022.4 (MANE Select); coding-DNA position 371, A replaced by G.
Protein change: p.Asn124Ser; replaces asparagine 124 with serine.
Molecular consequence: missense variant.
Genome position (GRCh38, 1-based): chr10:78,037,285, A>G. VCF-style: chr10-78037285-A-G. GRCh37 (hg19) VCF-style: chr10-79797043-A-G.
Other names: c.371A>G (NM_001142285.1); c.371A>G, p.Asn124Ser (NM_001026.5, NM_001142282.2, NM_001142283.2 and 2 more transcripts); short protein forms N124S.
Identifiers: ClinVar variation 241728 (VCV000241728.29), dbSNP rs147128920, ClinGen allele CA5571992.
Genomic context (GRCh38, chr10:78,037,285, plus strand): 5'-GAAAGCAACGAAAGGAACGCAAGAACAGAATGAAGAAAGTCAGGGGGACTGCAAAGGCCA[A>G]TGTTGGTGCTGGCAAAAAGGTATAGTTCATTAAGGAAAATATAGAAACGTCATTAATTGT-3'
Protein context (NP_148982.1, residues 114-130): MKKVRGTAKA[Asn124Ser]VGAGKK